The following is an entry in ClinVar:

ClinVar aggregate classification (germline): Uncertain significance (1 of 4 stars; one submission).

Allele frequency attached by ClinVar (database versions not stated): gnomAD exomes below 0.00001; gnomAD 0.00003; TOPMed 0.00005.
gnomAD v4.1: 13 of 1,613,866 alleles (0.00081%); highest among the groups gnomAD compares: Admixed American, 0.0067%; no homozygotes.

Submission:

Labcorp Genetics (formerly Invitae), Labcorp
Classification: Uncertain significance. Last evaluated: 2022-05-04. Review status: criteria provided, single submitter. Criteria: Invitae Variant Classification Sherloc (09022015). Collection method: clinical testing. Allele origin: germline.
Comment: In summary, the available evidence is currently insufficient to determine the role of this variant in disease. Therefore, it has been classified as a Variant of Uncertain Significance. Algorithms developed to predict the effect of missense changes on protein structure and function (SIFT, PolyPhen-2, Align-GVGD) all suggest that this variant is likely to be disruptive. This variant has not been reported in the literature in individuals affected with NNT-related conditions. This variant is present in population databases (rs767261072, gnomAD 0.009%). This sequence change replaces threonine, which is neutral and polar, with isoleucine, which is neutral and non-polar, at codon 859 of the NNT protein (p.Thr859Ile).

NM_182977.3(NNT):c.2576C>T (p.Thr859Ile)

Gene: NNT (nicotinamide nucleotide transhydrogenase; plus strand). Cytogenetic location: 5p12.
Variant type: single nucleotide variant.
Coding change: c.2576C>T on transcript NM_182977.3 (MANE Select); coding-DNA position 2576, C replaced by T.
Protein change: p.Thr859Ile; replaces threonine 859 with isoleucine.
Molecular consequence: missense variant.
Genome position (GRCh38, 1-based): chr5:43,659,292, C>T. VCF-style: chr5-43659292-C-T. GRCh37 (hg19) VCF-style: chr5-43659394-C-T.
Other names: c.2183C>T, p.Thr728Ile (NM_001331026.2); c.2576C>T, p.Thr859Ile (NM_012343.4); short protein forms T728I, T859I.
Identifiers: ClinVar variation 2181937 (VCV002181937.4), dbSNP rs767261072, ClinGen allele CA3258269.
Genomic context (GRCh38, chr5:43,659,292, plus strand): 5'-ACAGCTACTCAGGCTGGGCCCTGTGTGCAGAGGGCTTCCTGCTCAACAACAATCTGCTGA[C>T]CATCGTGGGTGCACTCATAGGCTCGTCTGGTGCTATCCTGTCATACATCATGTGTGTGGT-3'
Protein context (NP_892022.2, residues 849-869): EGFLLNNNLL[Thr859Ile]IVGALIGSSG